The following is an entry in ClinVar:

NM_000632.4(ITGAM):c.1718G>C (p.Gly573Ala)

Gene: ITGAM (integrin subunit alpha M; plus strand). Cytogenetic location: 16p11.2.
Variant type: single nucleotide variant.
Coding change: c.1718G>C on transcript NM_000632.4 (MANE Select); coding-DNA position 1718, G replaced by C.
Protein change: p.Gly573Ala; replaces glycine 573 with alanine.
Molecular consequence: missense variant.
Genome position (GRCh38, 1-based): chr16:31,321,251, G>C. VCF-style: chr16-31321251-G-C. GRCh37 (hg19) VCF-style: chr16-31332572-G-C.
Other names: c.1721G>C, p.Gly574Ala (NM_001145808.2); short protein forms G574A, G573A.
Identifiers: ClinVar variation 3676240 (VCV003676240.2).

ClinVar aggregate classification (germline): Uncertain significance (1 of 4 stars; one submission).

Submission:

Labcorp Genetics (formerly Invitae), Labcorp
Classification: Uncertain significance. Last evaluated: 2024-11-11. Review status: criteria provided, single submitter. Criteria: Invitae Variant Classification Sherloc (09022015). Collection method: clinical testing. Allele origin: germline.
Comment: This sequence change replaces glycine, which is neutral and non-polar, with alanine, which is neutral and non-polar, at codon 573 of the ITGAM protein (p.Gly573Ala). This variant is not present in population databases (gnomAD no frequency). This variant has not been reported in the literature in individuals affected with ITGAM-related conditions. An algorithm developed to predict the effect of missense changes on protein structure and function outputs the following: PolyPhen-2: "Benign". The alanine amino acid residue is found in multiple mammalian species, which suggests that this missense change does not adversely affect protein function. In summary, the available evidence is currently insufficient to determine the role of this variant in disease. Therefore, it has been classified as a Variant of Uncertain Significance.